The following is an entry in ClinVar:

NM_001394062.1(MACF1):c.17563C>A (p.Gln5855Lys)

Gene: MACF1 (microtubule actin crosslinking factor 1; plus strand). Cytogenetic location: 1p34.3.
Variant type: single nucleotide variant.
Coding change: c.17563C>A on transcript NM_001394062.1 (MANE Select); coding-DNA position 17563, C replaced by A.
Protein change: p.Gln5855Lys; replaces glutamine 5855 with lysine.
Molecular consequence: missense variant.
Genome position (GRCh38, 1-based): chr1:39,433,153, C>A. VCF-style: chr1-39433153-C-A. GRCh37 (hg19) VCF-style: chr1-39898825-C-A.
Other names: c.5632C>A, p.Gln1878Lys (NM_001397473.1); c.11377C>A, p.Gln3793Lys (NM_012090.5); short protein forms Q5855K, Q1878K, Q3793K.
Identifiers: ClinVar variation 2839169 (VCV002839169.3), dbSNP rs2523084488, ClinGen allele CA339803747.

ClinVar aggregate classification (germline): Uncertain significance (1 of 4 stars; one submission).

Submission:

Labcorp Genetics (formerly Invitae), Labcorp
Classification: Uncertain significance. Last evaluated: 2023-06-19. Review status: criteria provided, single submitter. Criteria: Invitae Variant Classification Sherloc (09022015). Collection method: clinical testing. Allele origin: germline.
Comment: This sequence change replaces glutamine, which is neutral and polar, with lysine, which is basic and polar, at codon 3793 of the MACF1 protein (p.Gln3793Lys). This variant is not present in population databases (gnomAD no frequency). This variant has not been reported in the literature in individuals affected with MACF1-related conditions. An algorithm developed to predict the effect of missense changes on protein structure and function (PolyPhen-2) suggests that this variant is likely to be tolerated. In summary, the available evidence is currently insufficient to determine the role of this variant in disease. Therefore, it has been classified as a Variant of Uncertain Significance.